The following is an entry in ClinVar:

NM_005051.3(QARS1):c.1957-22_1957-20del

Gene: QARS1 (glutaminyl-tRNA synthetase 1; minus strand). Cytogenetic location: 3p21.31.
Variant type: Microsatellite.
Coding change: c.1957-22_1957-20del on transcript NM_005051.3 (MANE Select); 22 bases into the intron before coding-DNA position 1957 through 20 bases into the intron before coding-DNA position 1957, 3 bases deleted (GCT; older notation c.1957-22_1957-20delGCT).
Molecular consequence: intron variant.
Genome position (GRCh38, 1-based): chr3:49,098,500-49,098,502, AGC deleted on the plus strand (GCT on the coding strand, the reverse complement: QARS1 is on the minus strand); deleting any 3 consecutive bases within chr3:49,098,500-49,098,506 gives the same sequence; the c. name uses the placement nearest the transcript's 3' end. VCF-style (leftmost placement, unchanged base first): chr3-49098499-GAGC-G. GRCh37 (hg19) VCF-style: chr3-49135932-GAGC-G.
Other names: c.1957-22_1957-20delGCT (NM_005051.2); c.1924-22_1924-20del (NM_001272073.2).
Identifiers: ClinVar variation 421685 (VCV000421685.9), dbSNP rs753102798, ClinGen allele CA2391572.
Genomic context (GRCh38, chr3:49,098,499, plus strand): 5'-TCTGCAGGTCACCTCCAGACTCTCTACACAACCACTGGGGCCCTGGAAGTGGGGGGAGGG[GAGC>G]AGCAATTAGACCCGGGAACCACAACCAGGACTGCAGGCTATACTCACATCTTGGCCCCAG-3'

ClinVar aggregate classification (germline): Likely benign. Review status: criteria provided, multiple submitters, no conflicts (2 of 4 stars). 2 submissions from 2 submitters: Likely benign (2). Last evaluated 2025-12-15.

Conditions:
Diffuse cerebral and cerebellar atrophy - intractable seizures - progressive microcephaly syndrome. Also called: Microcephaly, progressive, with seizures and cerebral and cerebellar atrophy. Identifiers: Orphanet 404437, MedGen C4014239, MONDO:0014335, OMIM 615760.

Submissions (2):

Labcorp Genetics (formerly Invitae), Labcorp
Classification: Likely benign for Diffuse cerebral and cerebellar atrophy - intractable seizures - progressive microcephaly syndrome. Last evaluated: 2025-12-15. Review status: criteria provided, single submitter. Criteria: Invitae Variant Classification Sherloc (09022015). Collection method: clinical testing. Allele origin: germline.

GeneDx
Classification: Likely benign. Last evaluated: 2016-07-29. Review status: criteria provided, single submitter. Criteria: GeneDx Variant Classification (06012015). Collection method: clinical testing. Allele origin: germline. Affected: yes.
Comment: This variant is considered likely benign or benign based on one or more of the following criteria: it is a conservative change, it occurs at a poorly conserved position in the protein, it is predicted to be benign by multiple in silico algorithms, and/or has population frequency not consistent with disease.